The following is an entry in ClinVar:

ClinVar aggregate classification (germline): Conflicting classifications of pathogenicity. Review status: criteria provided, conflicting classifications (1 of 4 stars). 3 submissions from 3 submitters: Likely pathogenic (1); Uncertain significance (2). Last evaluated 2024-02-12.

Conditions:
RYR2-related disorder. Also called: RYR2-related condition.
Catecholaminergic polymorphic ventricular tachycardia 1. Also called: VENTRICULAR TACHYCARDIA, CATECHOLAMINERGIC POLYMORPHIC, 1, WITH OR WITHOUT ATRIAL DYSFUNCTION AND/OR DILATED CARDIOMYOPATHY; VENTRICULAR TACHYCARDIA, STRESS-INDUCED POLYMORPHIC 1; RYR2-Related Catecholaminergic Polymorphic Ventricular Tachycardia. Identifiers: Orphanet 3286, MedGen C1631597, MONDO:0011484, OMIM 604772.

Allele frequency attached by ClinVar (database versions not stated): gnomAD exomes below 0.00001.
gnomAD v4.1: 3 of 1,613,838 alleles (0.00019%); highest among the groups gnomAD compares: Non-Finnish European, 0.00025%; no homozygotes.

Submissions (3):

Labcorp Genetics (formerly Invitae), Labcorp
Classification: Uncertain significance for Catecholaminergic polymorphic ventricular tachycardia 1. Last evaluated: 2024-02-12. Review status: criteria provided, single submitter. Criteria: Invitae Variant Classification Sherloc (09022015). Collection method: clinical testing. Allele origin: germline.
Comment: This sequence change replaces arginine, which is basic and polar, with histidine, which is basic and polar, at codon 4822 of the RYR2 protein (p.Arg4822His). This variant is not present in population databases (gnomAD no frequency). This missense change has been observed in individual(s) with clinical features of RYR2-related conditions (PMID: 19926015). ClinVar contains an entry for this variant (Variation ID: 201358). Advanced modeling of protein sequence and biophysical properties (such as structural, functional, and spatial information, amino acid conservation, physicochemical variation, residue mobility, and thermodynamic stability) performed at Invitae indicates that this missense variant is expected to disrupt RYR2 protein function with a positive predictive value of 95%. In summary, the available evidence is currently insufficient to determine the role of this variant in disease. Therefore, it has been classified as a Variant of Uncertain Significance.

Blueprint Genetics
Classification: Likely pathogenic for RYR2-related disorders. Last evaluated: 2020-04-20. Review status: criteria provided, single submitter. Criteria: ACMG Guidelines, 2015. Collection method: clinical testing. Allele origin: germline. Affected: yes. Observed: 3 variant alleles.

GeneDx
Classification: Uncertain significance. Last evaluated: 2019-08-12. Review status: criteria provided, single submitter. Criteria: GeneDx Variant Classification Process June 2021. Collection method: clinical testing. Allele origin: germline. Affected: yes.
Comment: Has been previously reported in association with CPVT (Medeiros-Domingo et al., 2009); Not observed in large population cohorts (Lek et al., 2016); In silico analysis, which includes protein predictors and evolutionary conservation, supports a deleterious effect; Is located in one of the three hot-spot regions of the RYR2 gene, where the majority of pathogenic missense variants occur (Medeiros-Domingo et al., 2009); This variant is associated with the following publications: (PMID: 24025405, 24136861, 19926015)

Literature cited by the submitters: PubMed 19926015 (cited by Labcorp Genetics (formerly Invitae), Labcorp).

NM_001035.3(RYR2):c.14465G>A (p.Arg4822His)

Gene: RYR2 (ryanodine receptor 2; plus strand). Cytogenetic location: 1q43.
Variant type: single nucleotide variant.
Coding change: c.14465G>A on transcript NM_001035.3 (MANE Select); coding-DNA position 14465, G replaced by A.
Protein change: p.Arg4822His; replaces arginine 4822 with histidine.
Molecular consequence: missense variant.
Genome position (GRCh38, 1-based): chr1:237,819,067, G>A. VCF-style: chr1-237819067-G-A. GRCh37 (hg19) VCF-style: chr1-237982367-G-A.
Other names: p.R4822H:CGT>CAT; c.14465G>A, p.Arg4822His (LRG_402t1); short protein forms R4822H.
Identifiers: ClinVar variation 201358 (VCV000201358.11), dbSNP rs794728805, ClinGen allele CA008257.